The following is an entry in ClinVar:

NM_025137.4(SPG11):c.1586C>T (p.Pro529Leu)

Gene: SPG11 (SPG11 vesicle trafficking associated, spatacsin; minus strand). Cytogenetic location: 15q21.1.
Variant type: single nucleotide variant.
Coding change: c.1586C>T on transcript NM_025137.4 (MANE Select); coding-DNA position 1586, C replaced by T.
Protein change: p.Pro529Leu; replaces proline 529 with leucine.
Molecular consequence: missense variant.
Genome position (GRCh38, 1-based): chr15:44,648,882, G>A on the plus strand (C>T on the coding strand, the complement: SPG11 is on the minus strand). VCF-style: chr15-44648882-G-A. GRCh37 (hg19) VCF-style: chr15-44941080-G-A.
Other names: c.1586C>T, p.Pro529Leu (NM_001160227.2); short protein forms P529L.
Identifiers: ClinVar variation 938140 (VCV000938140.9), dbSNP rs964345865, ClinGen allele CA270099776.

ClinVar aggregate classification (germline): Uncertain significance (1 of 4 stars; one submission).

Conditions:
Hereditary spastic paraplegia 11. Also called: SPASTIC PARAPLEGIA, AUTOSOMAL RECESSIVE, COMPLICATED, WITH THIN CORPUS CALLOSUM; SPASTIC PARAPLEGIA, AUTOSOMAL RECESSIVE, WITH MENTAL IMPAIRMENT AND THIN CORPUS CALLOSUM; Spastic paraplegia, mental retardation and thin corpus callosum; Nakamura Osame syndrome; Autosomal recessive hereditary spastic paraplegia, mental impairment, and thin corpus callosum; Spastic Paraplegia 11. Identifiers: Orphanet 2822, MedGen C1858479, MONDO:0011445, OMIM 604360.

Submission:

Labcorp Genetics (formerly Invitae), Labcorp
Classification: Uncertain significance for Hereditary spastic paraplegia 11. Last evaluated: 2019-09-29. Review status: criteria provided, single submitter. Criteria: Invitae Variant Classification Sherloc (09022015). Collection method: clinical testing. Allele origin: germline.
Comment: In summary, the available evidence is currently insufficient to determine the role of this variant in disease. Therefore, it has been classified as a Variant of Uncertain Significance. Algorithms developed to predict the effect of missense changes on protein structure and function are either unavailable or do not agree on the potential impact of this missense change (SIFT: "Deleterious"; PolyPhen-2: "Probably Damaging"; Align-GVGD: "Class C0"). This variant has not been reported in the literature in individuals with SPG11-related conditions. This variant is not present in population databases (ExAC no frequency). This sequence change replaces proline with leucine at codon 529 of the SPG11 protein (p.Pro529Leu). The proline residue is moderately conserved and there is a moderate physicochemical difference between proline and leucine.